The following is an entry in ClinVar:

ClinVar aggregate classification (germline): Conflicting classifications of pathogenicity. Review status: criteria provided, conflicting classifications (1 of 4 stars). 2 submissions from 2 submitters: Uncertain significance (1); Likely benign (1). Last evaluated 2024-08-10.

Allele frequency attached by ClinVar (database versions not stated): gnomAD 0.00001; TOPMed 0.00001; ExAC 0.00002.
gnomAD v4.1: 34 of 1,613,390 alleles (0.0021%); highest among the groups gnomAD compares: South Asian, 0.0033%; no homozygotes.

Submissions (2):

Labcorp Genetics (formerly Invitae), Labcorp
Classification: Uncertain significance. Last evaluated: 2024-08-10. Review status: criteria provided, single submitter. Criteria: Invitae Variant Classification Sherloc (09022015). Collection method: clinical testing. Allele origin: germline.
Comment: This sequence change replaces arginine, which is basic and polar, with cysteine, which is neutral and slightly polar, at codon 66 of the SEPT9 protein (p.Arg66Cys). This variant is present in population databases (rs770806810, gnomAD 0.004%). This variant has not been reported in the literature in individuals affected with SEPT9-related conditions. ClinVar contains an entry for this variant (Variation ID: 2445534). An algorithm developed to predict the effect of missense changes on protein structure and function (PolyPhen-2) suggests that this variant is likely to be disruptive. In summary, the available evidence is currently insufficient to determine the role of this variant in disease. Therefore, it has been classified as a Variant of Uncertain Significance.

Blueprint Genetics
Classification: Likely benign. Last evaluated: 2022-06-30. Review status: criteria provided, single submitter. Criteria: ACMG Guidelines, 2015. Collection method: clinical testing. Allele origin: germline.

NM_001113491.2(SEPTIN9):c.250C>T (p.Arg84Cys)

Gene: SEPTIN9 (septin 9; plus strand). Cytogenetic location: 17q25.3.
Variant type: single nucleotide variant.
Coding change: c.250C>T on transcript NM_001113491.2 (MANE Select); coding-DNA position 250, C replaced by T.
Protein change: p.Arg84Cys; replaces arginine 84 with cysteine.
Molecular consequence: missense variant. On other transcripts: 5 prime UTR variant (2).
Genome position (GRCh38, 1-based): chr17:77,402,232, C>T. VCF-style: chr17-77402232-C-T. GRCh37 (hg19) VCF-style: chr17-75398314-C-T.
Other names: c.-243C>T (NM_001113492.2, NM_001113494.1); c.229C>T, p.Arg77Cys (NM_001113493.2); c.193C>T, p.Arg65Cys (NM_001293695.2); c.196C>T, p.Arg66Cys (NM_006640.5); short protein forms R65C, R66C, R77C, R84C.
Identifiers: ClinVar variation 2445534 (VCV002445534.5), dbSNP rs770806810, ClinGen allele CA8793152.
Genomic context (GRCh38, chr17:77,402,232, plus strand): 5'-CAGGACCTGGGCGTGAAGAACTCAGAACCCTCGGCCCGCCATGTGGACTCCCTAAGCCAA[C>T]GCTCCCCCAAGGCGTCCCTGCGGAGGGTGGAGCTCTCGGGCCCCAAGGCGGCCGAGCCGG-3'
Protein context (NP_001106963.1, residues 74-94): SARHVDSLSQ[Arg84Cys]SPKASLRRVE